The following is an entry in ClinVar:

NM_001330260.2(SCN8A):c.4400T>G (p.Phe1467Cys)

Gene: SCN8A (sodium voltage-gated channel alpha subunit 8; plus strand). Cytogenetic location: 12q13.13.
Variant type: single nucleotide variant.
Coding change: c.4400T>G on transcript NM_001330260.2 (MANE Select); coding-DNA position 4400, T replaced by G.
Protein change: p.Phe1467Cys; replaces phenylalanine 1467 with cysteine.
Molecular consequence: missense variant.
Genome position (GRCh38, 1-based): chr12:51,789,399, T>G. VCF-style: chr12-51789399-T-G. GRCh37 (hg19) VCF-style: chr12-52183183-T-G.
Other names: c.4277T>G, p.Phe1426Cys (NM_001177984.3, NM_001369788.1); c.4400T>G, p.Phe1467Cys (NM_014191.4); short protein forms F1467C, F1426C.
Identifiers: ClinVar variation 940290 (VCV000940290.11), dbSNP rs1938179062, ClinGen allele CA384908577.

ClinVar aggregate classification (germline): Conflicting classifications of pathogenicity. Review status: criteria provided, conflicting classifications (1 of 4 stars). 2 submissions from 2 submitters: Pathogenic (1); Uncertain significance (1). Last evaluated 2025-03-23.

Conditions:
Early-infantile DEE. Also called: Early infantile epileptic encephalopathy; Ohtahara syndrome; Early infantile epileptic encephalopathy with suppression bursts. Identifiers: Orphanet 1934, MedGen C0393706, MONDO:0800491.

Submissions (2):

GeneDx
Classification: Pathogenic. Last evaluated: 2025-03-23. Review status: criteria provided, single submitter. Criteria: GeneDx Variant Classification Process June 2021. Collection method: clinical testing. Allele origin: germline. Affected: yes.
Comment: Not observed at significant frequency in large population cohorts (gnomAD); In silico analysis supports that this missense variant has a deleterious effect on protein structure/function; This variant is associated with the following publications: (PMID: 26029160, 35701389)

Labcorp Genetics (formerly Invitae), Labcorp
Classification: Uncertain significance for Early-infantile DEE. Last evaluated: 2022-03-23. Review status: criteria provided, single submitter. Criteria: Invitae Variant Classification Sherloc (09022015). Collection method: clinical testing. Allele origin: germline.
Comment: In summary, the available evidence is currently insufficient to determine the role of this variant in disease. Therefore, it has been classified as a Variant of Uncertain Significance. Algorithms developed to predict the effect of missense changes on protein structure and function are either unavailable or do not agree on the potential impact of this missense change (SIFT: "Deleterious"; PolyPhen-2: "Probably Damaging"; Align-GVGD: "Class C0"). ClinVar contains an entry for this variant (Variation ID: 940290). This variant has not been reported in the literature in individuals affected with SCN8A-related conditions. This variant is not present in population databases (gnomAD no frequency). This sequence change replaces phenylalanine, which is neutral and non-polar, with cysteine, which is neutral and slightly polar, at codon 1467 of the SCN8A protein (p.Phe1467Cys).